The following is an entry in ClinVar:

ClinVar aggregate classification (germline): Uncertain significance. Review status: criteria provided, multiple submitters, no conflicts (2 of 4 stars). 2 submissions from 2 submitters: Uncertain significance (2). Last evaluated 2022-12-16.

Conditions:
Becker muscular dystrophy (BMD). Also called: MUSCULAR DYSTROPHY, PSEUDOHYPERTROPHIC PROGRESSIVE, BECKER TYPE; Becker Muscular Dystrophy (BMD). Identifiers: Orphanet 98895, MedGen C0917713, MONDO:0010311, OMIM 300376.
Duchenne muscular dystrophy (DMD). Also called: MUSCULAR DYSTROPHY, PSEUDOHYPERTROPHIC PROGRESSIVE, DUCHENNE TYPE; Duchenne Muscular Dystrophy (DMD). Identifiers: Orphanet 98896, MedGen C0013264, MONDO:0010679, OMIM 310200.
Dilated cardiomyopathy 3B (CMD3B). Also called: CMD3B: DMD-Related Dilated Cardiomyopathy; CARDIOMYOPATHY, DILATED, X-LINKED; DMD-Associated Dilated Cardiomyopathy. Identifiers: Orphanet 154, MedGen C3668940, MONDO:0010542, OMIM 302045.

Submissions (3):

Laboratory of Medical Genetics, National & Kapodistrian University of Athens
Classification: Uncertain significance for Becker muscular dystrophy. Last evaluated: 2022-12-16. Review status: criteria provided, single submitter. Criteria: ACMG Guidelines, 2015. Collection method: clinical testing. Allele origin: germline. Affected: yes.
Comment: PM2, PP3, BP1

Juno Genomics, Hangzhou Juno Genomics, Inc
Classification: Uncertain significance for Becker muscular dystrophy; Dilated cardiomyopathy 3B; Duchenne muscular dystrophy. Review status: criteria provided, single submitter. Criteria: ACMG Guidelines, 2015. Collection method: clinical testing. Allele origin: germline. Affected: yes.
Comment: Absent from controls (or at extremely low frequency if recessive) in Genome Aggregation Database, Exome Sequencing Project, 1000 Genomes Project, or Exome Aggregation Consortium.;Multiple lines of computational evidence support a deleterious effect on the gene or gene product (conservation, evolutionary, splicing impact, etc).

Dr. Peter K. Rogan Lab, Western University
No classification provided (evidence only). Condition: Thyroid cancer, nonmedullary, 1. Review status: no classification provided. Collection method: in vitro. Allele origin: not applicable. Functional consequence: retained intron. Not counted in ClinVar's aggregate classification.

NM_004006.3(DMD):c.9973A>G (p.Arg3325Gly)

Gene: DMD (dystrophin; minus strand). Cytogenetic location: Xp21.2.
Variant type: single nucleotide variant.
Coding change: c.9973A>G on transcript NM_004006.3 (MANE Select); coding-DNA position 9973, A replaced by G.
Protein change: p.Arg3325Gly; replaces arginine 3325 with glycine.
Molecular consequence: missense variant.
Genome position (GRCh38, 1-based): chrX:31,182,739, T>C on the plus strand (A>G on the coding strand, the complement: DMD is on the minus strand). VCF-style: chrX-31182739-T-C. GRCh37 (hg19) VCF-style: chrX-31200856-T-C.
Other names: NC_000023.10:g.31200856T>C; c.9949A>G, p.Arg3317Gly (NM_000109.4); c.9961A>G, p.Arg3321Gly (NM_004009.3); c.9604A>G, p.Arg3202Gly (NM_004010.3); c.5950A>G, p.Arg1984Gly (NM_004011.4); c.5941A>G, p.Arg1981Gly (NM_004012.4); c.2593A>G, p.Arg865Gly (NM_004013.3, NM_004020.4, NM_004021.3 and 2 more transcripts); c.1786A>G, p.Arg596Gly (NM_004014.3); and 1 more; short protein forms R1981G, R1984G, R257G, R3202G, R3317G, R3321G, R3325G, R596G.
Identifiers: ClinVar variation 1806440 (VCV001806440.4), dbSNP rs2520020776, ClinGen allele CA412653263.
Genomic context (GRCh38, chrX:31,182,739, plus strand): 5'-TCATAAAAAGGTGAAAAATGATGAGAAAAAAATGACATTTTTTTTTTGGTTCCTAATACC[T>C]GAATCCAATGATTGGACACTCTTTGCAGATGTTACATTTGGCCTGATGCTTGGCAGTTTC-3'
Protein context (NP_003997.2, residues 3315-3335): ICKECPIIGF[Arg3325Gly]YRSLKHFNYD